The following is an entry in ClinVar:

ClinVar aggregate classification (germline): Likely benign (1 of 4 stars; one submission).

gnomAD v4.1: 4,848 of 1,613,870 alleles (0.3%); highest among the groups gnomAD compares: Non-Finnish European, 0.27%; 15 homozygotes.

Submission:

CeGaT Center for Human Genetics Tuebingen
Classification: Likely benign. Last evaluated: 2025-04-01. Review status: criteria provided, single submitter. Criteria: CeGaT Center For Human Genetics Tuebingen Variant Classification Criteria Version 2. Collection method: clinical testing. Allele origin: germline. Affected: yes. Observed: 1 variant allele.
Comment: ACSM2B: BP4

NM_001105069.2(ACSM2B):c.1324T>C (p.Trp442Arg)

Gene: ACSM2B (acyl-CoA synthetase medium chain family member 2B; minus strand). Cytogenetic location: 16p12.3.
Variant type: single nucleotide variant.
Coding change: c.1324T>C on transcript NM_001105069.2 (MANE Select); coding-DNA position 1324, T replaced by C.
Protein change: p.Trp442Arg; replaces tryptophan 442 with arginine.
Molecular consequence: missense variant.
Genome position (GRCh38, 1-based): chr16:20,543,220, A>G on the plus strand (T>C on the coding strand, the complement: ACSM2B is on the minus strand). VCF-style: chr16-20543220-A-G. GRCh37 (hg19) VCF-style: chr16-20554542-A-G.
Other names: c.1087T>C, p.Trp363Arg (NM_001410902.1); c.1324T>C, p.Trp442Arg (NM_182617.4); short protein forms W363R, W442R.
Identifiers: ClinVar variation 3777764 (VCV003777764.7).